The following is an entry in ClinVar:

NM_002439.5(MSH3):c.2828A>G (p.Asp943Gly)

Gene: MSH3 (mutS homolog 3; plus strand). Cytogenetic location: 5q14.1.
Variant type: single nucleotide variant.
Coding change: c.2828A>G on transcript NM_002439.5 (MANE Select); coding-DNA position 2828, A replaced by G.
Protein change: p.Asp943Gly; replaces aspartic acid 943 with glycine.
Molecular consequence: missense variant.
Genome position (GRCh38, 1-based): chr5:80,854,144, A>G. VCF-style: chr5-80854144-A-G. GRCh37 (hg19) VCF-style: chr5-80149963-A-G.
Other names: short protein forms D943G.
Identifiers: ClinVar variation 972260 (VCV000972260.10), dbSNP rs1745876381, ClinGen allele CA360275483.

ClinVar aggregate classification (germline): Uncertain significance. Review status: criteria provided, multiple submitters, no conflicts (2 of 4 stars). 2 submissions from 2 submitters: Uncertain significance (2). Last evaluated 2025-10-23.

Conditions:
Hereditary cancer-predisposing syndrome. Also called: Hereditary Cancer Syndrome; Hereditary neoplastic syndrome; Tumor predisposition; Neoplastic Syndromes, Hereditary. Identifiers: Orphanet 140162, MedGen C0027672, MeSH D009386, MONDO:0015356.

gnomAD v4.1: 2 of 1,613,600 alleles (0.00012%); highest among the groups gnomAD compares: Non-Finnish European, 0.00017%; no homozygotes.

Submissions (2):

Labcorp Genetics (formerly Invitae), Labcorp
Classification: Uncertain significance. Last evaluated: 2025-10-23. Review status: criteria provided, single submitter. Criteria: Invitae Variant Classification Sherloc (09022015). Collection method: clinical testing. Allele origin: germline.
Comment: This sequence change replaces aspartic acid, which is acidic and polar, with glycine, which is neutral and non-polar, at codon 943 of the MSH3 protein (p.Asp943Gly). This variant is not present in population databases (gnomAD no frequency). This variant has not been reported in the literature in individuals affected with MSH3-related conditions. ClinVar contains an entry for this variant (Variation ID: 972260). An algorithm developed to predict the effect of missense changes on protein structure and function (PolyPhen-2) suggests that this variant is likely to be disruptive. In summary, the available evidence is currently insufficient to determine the role of this variant in disease. Therefore, it has been classified as a Variant of Uncertain Significance.

Ambry Genetics
Classification: Uncertain significance for Hereditary cancer-predisposing syndrome. Last evaluated: 2022-06-07. Review status: criteria provided, single submitter. Criteria: Ambry Variant Classification Scheme 2023. Collection method: clinical testing. Allele origin: germline.
Comment: The p.D943G variant (also known as c.2828A>G), located in coding exon 21 of the MSH3 gene, results from an A to G substitution at nucleotide position 2828. The aspartic acid at codon 943 is replaced by glycine, an amino acid with similar properties. This amino acid position is conserved. In addition, this alteration is predicted to be deleterious by in silico analysis. Since supporting evidence is limited at this time, the clinical significance of this alteration remains unclear.